The following is an entry in ClinVar:

ClinVar aggregate classification (germline): Uncertain significance (1 of 4 stars; one submission).

Allele frequency attached by ClinVar (database versions not stated): TOPMed below 0.00001.

Submission:

Labcorp Genetics (formerly Invitae), Labcorp
Classification: Uncertain significance. Last evaluated: 2023-08-30. Review status: criteria provided, single submitter. Criteria: Invitae Variant Classification Sherloc (09022015). Collection method: clinical testing. Allele origin: germline.
Comment: In summary, the available evidence is currently insufficient to determine the role of this variant in disease. Therefore, it has been classified as a Variant of Uncertain Significance. An algorithm developed to predict the effect of missense changes on protein structure and function (PolyPhen-2) suggests that this variant is likely to be tolerated. ClinVar contains an entry for this variant (Variation ID: 1717292). This variant has not been reported in the literature in individuals affected with SLC24A1-related conditions. This variant is not present in population databases (gnomAD no frequency). This sequence change replaces proline, which is neutral and non-polar, with leucine, which is neutral and non-polar, at codon 168 of the SLC24A1 protein (p.Pro168Leu).

NM_004727.3(SLC24A1):c.503C>T (p.Pro168Leu)

Gene: SLC24A1 (solute carrier family 24 member 1; plus strand). Cytogenetic location: 15q22.31.
Variant type: single nucleotide variant.
Coding change: c.503C>T on transcript NM_004727.3 (MANE Select); coding-DNA position 503, C replaced by T.
Protein change: p.Pro168Leu; replaces proline 168 with leucine.
Molecular consequence: missense variant.
Genome position (GRCh38, 1-based): chr15:65,624,583, C>T. VCF-style: chr15-65624583-C-T. GRCh37 (hg19) VCF-style: chr15-65916921-C-T.
Other names: c.503C>T, p.Pro168Leu (NM_001301031.1, NM_001301032.1, NM_001301033.2 and 1 more transcripts); short protein forms P168L.
Identifiers: ClinVar variation 1717292 (VCV001717292.5), dbSNP rs1004755801, ClinGen allele CA271587746.